The following is an entry in ClinVar:

NM_007294.4(BRCA1):c.3417del (p.Ser1139fs)

Genes: BRCA1 (BRCA1 DNA repair associated; minus strand), LOC126862571 (BRD4-independent group 4 enhancer GRCh37_chr17:41243136-41244335; plus strand). Cytogenetic location: 17q21.31.
Variant type: Deletion.
Coding change: c.3417del on transcript NM_007294.4 (MANE Select); coding-DNA position 3417, one base deleted (T; older notation c.3417delT).
Protein change: p.Ser1139fs; shifts the reading frame from serine 1139.
Molecular consequence: frameshift variant. On other transcripts: intron variant (135).
Genome position (GRCh38, 1-based): chr17:43,092,114, A deleted on the plus strand (T on the coding strand, the reverse complement: BRCA1 is on the minus strand). VCF-style (leftmost placement, unchanged base first): chr17-43092113-TA-T. GRCh37 (hg19) VCF-style: chr17-41244130-TA-T.
Other names: 3536delT; c.671-1082del (NM_001408420.1, NM_001408419.1, NM_001408422.1 and 2 more transcripts); c.788-1082del (NM_001408404.1, NM_001408472.1, NM_001407990.1 and 17 more transcripts); c.578-1082del (NM_001408492.1, NM_001408513.1, NM_001408489.1 and 9 more transcripts); c.644-1082del (NM_001408468.1, NM_001408465.1, NM_001408463.1 and 3 more transcripts); c.524-1082del (NM_001408501.1, NM_001408500.1, NM_001408497.1 and 3 more transcripts); c.647-1082del (NM_001408455.1, NM_001408466.1, NM_001408452.1 and 11 more transcripts); c.521-1082del (NM_001408503.1, NM_001408505.1, NM_001408504.1); and 42 more; short protein forms S1092fs, S1139fs, S1012fs, S1051fs, S1071fs, S1112fs, S1027fs, S1069fs.
Identifiers: ClinVar variation 54875 (VCV000054875.5), dbSNP rs273899706, ClinGen allele CA002210.

ClinVar aggregate classification (germline): Pathogenic. Review status: reviewed by expert panel (3 of 4 stars). 3 submissions from 3 submitters: Pathogenic (1). 2 of the submissions do not count toward it. Last evaluated 2016-09-08.

Conditions:
Breast-ovarian cancer, familial, susceptibility to, 1 (BROVCA1). Also called: OVARIAN CANCER, SUSCEPTIBILITY TO; BRCA1 Hereditary Breast and Ovarian Cancer. Identifiers: Orphanet 145, MedGen C2676676, MONDO:0011450, OMIM 604370. Disease mechanism: loss of function.

Submissions (3):

Evidence-based Network for the Interpretation of Germline Mutant Alleles (ENIGMA)
Classification: Pathogenic for Breast-ovarian cancer, familial, susceptibility to, 1. Last evaluated: 2016-09-08. Review status: reviewed by expert panel. Criteria: ENIGMA BRCA1/2 Classification Criteria (2015). Collection method: curation. Allele origin: germline.
Comment: Variant allele predicted to encode a truncated non-functional protein.

Consortium of Investigators of Modifiers of BRCA1/2 (CIMBA), c/o University of Cambridge
Classification: Pathogenic for Breast-ovarian cancer, familial, susceptibility to, 1. Last evaluated: 2015-10-02. Review status: criteria provided, single submitter. Criteria: CIMBA Mutation Classification guidelines May 2016. Collection method: clinical testing. Allele origin: germline. Not counted in ClinVar's aggregate classification.

Breast Cancer Information Core (BIC) (BRCA1)
Classification: Pathogenic for Breast-ovarian cancer, familial 1. Last evaluated: 2010-03-26. Review status: no assertion criteria provided. Collection method: clinical testing. Allele origin: germline. Affected: yes. Observed: 1 variant allele. Not counted in ClinVar's aggregate classification.

Literature cited by the submitters: PubMed 18278587 (cited by Breast Cancer Information Core (BIC) (BRCA1)).